The following is an entry in ClinVar:

ClinVar aggregate classification (germline): Pathogenic (1 of 4 stars; one submission).

Submission:

GeneDx
Classification: Pathogenic. Last evaluated: 2025-08-07. Review status: criteria provided, single submitter. Criteria: GeneDx Variant Classification Process June 2021. Collection method: clinical testing. Allele origin: germline. Affected: yes.
Comment: Frameshift variant predicted to result in protein truncation or nonsense mediated decay in a gene for which loss of function is a known mechanism of disease; Not observed at significant frequency in large population cohorts (gnomAD); Has not been previously published as pathogenic or benign to our knowledge

NM_017721.5(CC2D1A):c.2012del (p.Pro671fs)

Gene: CC2D1A (coiled-coil and C2 domain containing 1A; plus strand). Cytogenetic location: 19p13.12.
Variant type: Deletion.
Coding change: c.2012del on transcript NM_017721.5 (MANE Select); coding-DNA position 2012, one base deleted (C; older notation c.2012delC).
Protein change: p.Pro671fs; shifts the reading frame from proline 671.
Molecular consequence: frameshift variant.
Genome position (GRCh38, 1-based): chr19:13,926,588, C deleted; the last of 5 consecutive C bases (chr19:13,926,584-13,926,588); deleting any one gives the same sequence. VCF-style (leftmost placement, unchanged base first): chr19-13926583-AC-A. GRCh37 (hg19) VCF-style: chr19-14037396-AC-A.
Other names: c.2012del, p.Pro671fs (NM_001411138.1); short protein forms P671fs.
Identifiers: ClinVar variation 4755702 (VCV004755702.1).
Genomic context (GRCh38, chr19:13,926,583, plus strand): 5'-CCCTGACCTCAGCAGCAACGACATGCTCCTCTTCATCGTGAAGGGCATCAACTTGCCCAC[AC>A]CCCCAGGTGAGGGGGCTGTAGGCAAGGGTCAGGGTCATGGGGACCCCCTCTCTGCCCAGC-3'